The following is an entry in ClinVar:

NM_006949.4(STXBP2):c.187_190del (p.Lys63fs)

Gene: STXBP2 (syntaxin binding protein 2; plus strand). Cytogenetic location: 19p13.2.
Variant type: Deletion.
Coding change: c.187_190del on transcript NM_006949.4 (MANE Select); coding-DNA positions 187 to 190, 4 bases deleted (AAAC; older notation c.187_190delAAAC).
Protein change: p.Lys63fs; shifts the reading frame from lysine 63.
Molecular consequence: frameshift variant. On other transcripts: non-coding transcript variant (1).
Genome position (GRCh38, 1-based): chr19:7,639,748-7,639,751, AAAC deleted; deleting any 4 consecutive bases within chr19:7,639,745-7,639,751 gives the same sequence; the c. name uses the placement nearest the transcript's 3' end. VCF-style (leftmost placement, unchanged base first): chr19-7639744-CAACA-C. GRCh37 (hg19) VCF-style: chr19-7704630-CAACA-C.
Other names: c.187_190del, p.Lys63fs (NM_001127396.3, NM_001272034.2); short protein forms K63fs.
Identifiers: ClinVar variation 949674 (VCV000949674.8), dbSNP rs1217060412, ClinGen allele CA631326340.

ClinVar aggregate classification (germline): Pathogenic (1 of 4 stars; one submission).

Conditions:
Familial hemophagocytic lymphohistiocytosis 5. Also called: STXBP2-Related Familial Hemophagocytic Lymphohistiocytosis (STXBP2-fHLH). Identifiers: Orphanet 540, MedGen C2751293, MONDO:0013135, OMIM 613101.

Submission:

Labcorp Genetics (formerly Invitae), Labcorp
Classification: Pathogenic for Familial hemophagocytic lymphohistiocytosis 5. Last evaluated: 2023-01-20. Review status: criteria provided, single submitter. Criteria: Invitae Variant Classification Sherloc (09022015). Collection method: clinical testing. Allele origin: germline.
Comment: This sequence change creates a premature translational stop signal (p.Lys63Glyfs*14) in the STXBP2 gene. It is expected to result in an absent or disrupted protein product. Loss-of-function variants in STXBP2 are known to be pathogenic (PMID: 19804848, 22451424). This variant is present in population databases (no rsID available, gnomAD 0.003%). This variant has not been reported in the literature in individuals affected with STXBP2-related conditions. ClinVar contains an entry for this variant (Variation ID: 949674). For these reasons, this variant has been classified as Pathogenic.

Literature cited by the submitters: PubMed 19804848; PubMed 22451424.